The following is an entry in ClinVar:

NM_000474.4(TWIST1):c.576G>A (p.Met192Ile)

Genes: TWIST1 (twist family bHLH transcription factor 1; minus strand), LOC129998021 (ATAC-STARR-seq lymphoblastoid active region 25682; plus strand). Cytogenetic location: 7p21.1.
Variant type: single nucleotide variant.
Coding change: c.576G>A on transcript NM_000474.4 (MANE Select); coding-DNA position 576, G replaced by A.
Protein change: p.Met192Ile; replaces methionine 192 with isoleucine.
Molecular consequence: missense variant. On other transcripts: non-coding transcript variant (1).
Genome position (GRCh38, 1-based): chr7:19,116,746, C>T on the plus strand (G>A on the coding strand, the complement: TWIST1 is on the minus strand). VCF-style: chr7-19116746-C-T. GRCh37 (hg19) VCF-style: chr7-19156369-C-T.
Other names: short protein forms M192I.
Identifiers: ClinVar variation 3767592 (VCV003767592.1).

ClinVar aggregate classification (germline): Uncertain significance (1 of 4 stars; one submission).

Submission:

GeneDx
Classification: Uncertain significance. Last evaluated: 2024-09-06. Review status: criteria provided, single submitter. Criteria: GeneDx Variant Classification Process June 2021. Collection method: clinical testing. Allele origin: germline. Affected: yes.
Comment: Not observed in large population cohorts (gnomAD); In silico analysis supports that this missense variant has a deleterious effect on protein structure/function; Has not been previously published as pathogenic or benign to our knowledge